The following is an entry in ClinVar:

NM_004628.5(XPC):c.1780C>T (p.Arg594Cys)

Gene: XPC (XPC complex subunit, DNA damage recognition and repair factor; minus strand). Cytogenetic location: 3p25.1.
Variant type: single nucleotide variant.
Coding change: c.1780C>T on transcript NM_004628.5 (MANE Select); coding-DNA position 1780, C replaced by T.
Protein change: p.Arg594Cys; replaces arginine 594 with cysteine.
Molecular consequence: missense variant. On other transcripts: non-coding transcript variant (2), intron variant (1).
Genome position (GRCh38, 1-based): chr3:14,158,103, G>A on the plus strand (C>T on the coding strand, the complement: XPC is on the minus strand). VCF-style: chr3-14158103-G-A. GRCh37 (hg19) VCF-style: chr3-14199603-G-A.
Other names: c.1201C>T, p.Arg401Cys (NM_001354726.2); c.1780C>T, p.Arg594Cys (NM_001354727.2); c.1762C>T, p.Arg588Cys (NM_001354729.2); c.1626+154C>T (NM_001354730.2); short protein forms R594C, R401C, R588C.
Identifiers: ClinVar variation 135486 (VCV000135486.20), dbSNP rs183238369, ClinGen allele CA162916.

ClinVar aggregate classification (germline): Conflicting classifications of pathogenicity. Review status: criteria provided, conflicting classifications (1 of 4 stars). 7 submissions from 7 submitters: Uncertain significance (2); Benign (2); Likely benign (2). 1 of the submissions does not count toward it. Last evaluated 2026-01-18.

Conditions:
Xeroderma pigmentosum, group C (XPC). Also called: Xeroderma pigmentosum, complementation group C; XPC-Related Xeroderma Pigmentosum; XERODERMA PIGMENTOSUM III; XP, GROUP C. Identifiers: Orphanet 910, MedGen C2752147, MONDO:0010211, OMIM 278720.
Xeroderma pigmentosum (XP). Identifiers: Orphanet 910, MedGen C0043346, MONDO:0019600.

Allele frequency attached by ClinVar (database versions not stated): TOPMed 0.00134; gnomAD 0.00120 and 0.00126; 1000 Genomes Project 0.00160; gnomAD exomes 0.00026; ExAC 0.00032; ESP Exome Variant Server 0.00087; 1000 Genomes Project 30x 0.00156.
gnomAD v4.1: 366 of 1,613,868 alleles (0.023%); highest among the groups gnomAD compares: African/African-American, 0.43%; 1 homozygote.

Submissions (7):

Labcorp Genetics (formerly Invitae), Labcorp
Classification: Likely benign. Last evaluated: 2026-01-18. Review status: criteria provided, single submitter. Criteria: Invitae Variant Classification Sherloc (09022015). Collection method: clinical testing. Allele origin: germline.

GeneDx
Classification: Uncertain significance. Last evaluated: 2025-09-12. Review status: criteria provided, single submitter. Criteria: GeneDx Variant Classification Process June 2021. Collection method: clinical testing. Allele origin: germline.
Comment: In silico analysis supports that this missense variant has a deleterious effect on protein structure/function; This variant is associated with the following publications: (PMID: 36890638, 24728327, 35522049)

Genome-Nilou Lab
Classification: Benign for Xeroderma pigmentosum, group C. Last evaluated: 2021-12-05. Review status: criteria provided, single submitter. Criteria: ACMG Guidelines, 2015. Collection method: clinical testing. Allele origin: germline. Affected: no.

Sema4
Classification: Uncertain significance for Xeroderma pigmentosum. Last evaluated: 2021-09-17. Review status: criteria provided, single submitter. Criteria: Sema4 Curation Guidelines. Collection method: curation. Allele origin: germline.
Comment: The XPC c.1780C>T (p.R594C) variant has not been reported in the literature to our knowledge. It was observed in 81/24202 chromosomes of the African/African American subpopulation, with 1 homozygote, in the large and broad cohorts of the Genome Aggregation Database. The variant has been reported in ClinVar (Variation ID 135486). In silico tools suggest the impact of the variant on protein function is inconclusive, though these predictions have not been confirmed by functional studies. There is no indication that this variant causes disease, but the evidence is insufficient currently to prove that conclusively. Thus, the clinical significance of this variant is currently uncertain.

Illumina Laboratory Services, Illumina
Classification: Benign for Xeroderma pigmentosum, group C. Last evaluated: 2017-11-14. Review status: criteria provided, single submitter. Criteria: ICSL Variant Classification Criteria 13 December 2019. Collection method: clinical testing. Allele origin: germline.
Comment: This variant was observed as part of a predisposition screen in an ostensibly healthy population. A literature search was performed for the gene, cDNA change, and amino acid change (where applicable). Publications were found based on this search. The evidence from the literature, in combination with allele frequency data from public databases where available, was sufficient to rule this variant out of causing disease. Therefore, this variant is classified as benign.

Breakthrough Genomics
Classification: Likely benign. Review status: criteria provided, single submitter. Criteria: ACMG Guidelines, 2015. Collection method: not provided. Allele origin: germline. Inheritance: Autosomal recessive inheritance. Affected: yes.

ITMI
No classification provided. Condition: AllHighlyPenetrant. Last evaluated: 2013-09-19. Review status: no classification provided. Collection method: reference population. Allele origin: germline. Not counted in ClinVar's aggregate classification.
Comment: Please see associated publication for description of ethnicities

Literature cited by the submitters: PubMed 24728327 (cited by Illumina Laboratory Services, Illumina and ITMI).